The following is an entry in ClinVar:

NM_001190274.2(FBXO11):c.106C>A (p.Pro36Thr)

Genes: FBXO11 (F-box protein 11; minus strand), LOC100506235 (uncharacterized LOC100506235; plus strand). Cytogenetic location: 2p16.3.
Variant type: single nucleotide variant.
Coding change: c.106C>A on transcript NM_001190274.2 (MANE Select); coding-DNA position 106, C replaced by A.
Protein change: p.Pro36Thr; replaces proline 36 with threonine.
Molecular consequence: missense variant. On other transcripts: non-coding transcript variant (1).
Genome position (GRCh38, 1-based): chr2:47,905,615, G>T on the plus strand (C>A on the coding strand, the complement: FBXO11 is on the minus strand). VCF-style: chr2-47905615-G-T. GRCh37 (hg19) VCF-style: chr2-48132754-G-T.
Other names: short protein forms P36T.
Identifiers: ClinVar variation 4734400 (VCV004734400.1).

ClinVar aggregate classification (germline): Uncertain significance (1 of 4 stars; one submission).

gnomAD v4.1: 1 of 1,369,364 alleles (0.000073%); no homozygotes.

Submission:

Labcorp Genetics (formerly Invitae), Labcorp
Classification: Uncertain significance. Last evaluated: 2025-12-30. Review status: criteria provided, single submitter. Criteria: Invitae Variant Classification Sherloc (09022015). Collection method: clinical testing. Allele origin: germline.
Comment: This sequence change replaces proline, which is neutral and non-polar, with threonine, which is neutral and polar, at codon 36 of the FBXO11 protein (p.Pro36Thr). This variant is not present in population databases (gnomAD no frequency). This variant has not been reported in the literature in individuals affected with FBXO11-related conditions. Experimental studies and prediction algorithms are not available or were not evaluated, and the functional significance of this variant is currently unknown. In summary, the available evidence is currently insufficient to determine the role of this variant in disease. Therefore, it has been classified as a Variant of Uncertain Significance.